The following is an entry in ClinVar:

ClinVar aggregate classification (germline): Pathogenic (1 of 4 stars; one submission).

Conditions:
Aicardi-Goutieres syndrome 1. Also called: CREE ENCEPHALITIS; ENCEPHALOPATHY, FAMILIAL INFANTILE, WITH INTRACRANIAL CALCIFICATION AND CHRONIC CEREBROSPINAL FLUID LYMPHOCYTOSIS; PSEUDOTOXOPLASMOSIS SYNDROME. Identifiers: Orphanet 51, MedGen C0796126, MONDO:0009165, OMIM 225750.

Allele frequency attached by ClinVar (database versions not stated): gnomAD exomes below 0.00001.
gnomAD v4.1: 1 of 1,614,132 alleles (0.000062%); highest among the groups gnomAD compares: South Asian, 0.0011%; no homozygotes.

Submission:

Victorian Clinical Genetics Services, Murdoch Childrens Research Institute
Classification: Pathogenic for Aicardi-Goutieres syndrome 1. Last evaluated: 2015-05-05. Review status: criteria provided, single submitter. Criteria: ACMG Guidelines, 2015. Collection method: clinical testing. Allele origin: paternal. Inheritance: Autosomal recessive inheritance. Affected: yes. Observed: 2 variant alleles.
Comment: This heterozygous nonsense variant is predicted to cause a premature stop codon, resulting in truncation of the protein at position 265 prior to the transmembrane domain, NP_057465.1(TREX1): p.(Trp265*). This change is predicted to be disease-causing by in-silico models and is novel.

Literature cited by the submitters: PubMed 26938784.

NM_033629.6(TREX1):c.629G>A (p.Trp210Ter)

Genes: ATRIP (ATR interacting protein; plus strand), ATRIP-TREX1 (ATRIP-TREX1 readthrough; plus strand), TREX1 (three prime repair exonuclease 1; plus strand). Cytogenetic location: 3p21.31.
Variant type: single nucleotide variant.
Coding change: c.629G>A on transcript NM_033629.6 (MANE Select); coding-DNA position 629, G replaced by A.
Protein change: p.Trp210Ter; replaces tryptophan 210 with a stop codon.
Molecular consequence: nonsense. On other transcripts: non-coding transcript variant (1), 3 prime UTR variant (4).
Genome position (GRCh38, 1-based): chr3:48,467,284, G>A. VCF-style: chr3-48467284-G-A. GRCh37 (hg19) VCF-style: chr3-48508683-G-A.
Other names: c.599G>A, p.Trp200Ter (NM_007248.5); c.*1730G>A (NM_001271022.2, NM_001271023.2, NM_032166.4 and 1 more transcripts); short protein forms W210*, W200*.
Identifiers: ClinVar variation 369666 (VCV000369666.3), dbSNP rs184953805, ClinGen allele CA10654756.
Genomic context (GRCh38, chr3:48,467,284, plus strand): 5'-CCCCTCCAGACTCGCACACGGCTGAGGGTGATGTCCTGGCCCTGCTCAGCATCTGTCAGT[G>A]GAGACCACAGGCCCTGCTGCGGTGGGTGGATGCTCACGCCAGGCCTTTCGGCACCATCAG-3'